The following is an entry in ClinVar:

NM_001318895.3(FHL2):c.523A>C (p.Thr175Pro)

Genes: C2orf49 (chromosome 2 open reading frame 49; plus strand), FHL2 (four and a half LIM domains 2; minus strand). Cytogenetic location: 2q12.2.
Variant type: single nucleotide variant.
Coding change: c.523A>C on transcript NM_001318895.3 (MANE Select); coding-DNA position 523, A replaced by C.
Protein change: p.Thr175Pro; replaces threonine 175 with proline.
Molecular consequence: missense variant.
Genome position (GRCh38, 1-based): chr2:105,363,450, T>G on the plus strand (A>C on the coding strand, the complement: FHL2 is on the minus strand). VCF-style: chr2-105363450-T-G. GRCh37 (hg19) VCF-style: chr2-105979907-T-G.
Other names: c.523A>C, p.Thr175Pro (NM_001039492.3, NM_001318894.1, NM_001318896.2 and 4 more transcripts); c.181A>C, p.Thr61Pro (NM_001318897.2, NM_001318898.2); c.199A>C, p.Thr67Pro (NM_001318899.2); short protein forms T175P, T67P, T61P.
Identifiers: ClinVar variation 228690 (VCV000228690.13), dbSNP rs200116659, ClinGen allele CA1814709.

ClinVar aggregate classification (germline): Uncertain significance. Review status: criteria provided, multiple submitters, no conflicts (2 of 4 stars). 3 submissions from 3 submitters: Uncertain significance (3). Last evaluated 2026-01-21.

Conditions:
Primary dilated cardiomyopathy (DCM). Also called: Dilated Cardiomyopathy. Identifiers: Orphanet 217604, MedGen C0007193, MeSH D002311, MONDO:0005021, HP:0001644. Inheritance: Various modes of inheritance.

Allele frequency attached by ClinVar (database versions not stated): gnomAD exomes 0.00012 and 0.00017; gnomAD 0.00014; ExAC 0.00018; TOPMed 0.00018; 1000 Genomes Project 0.00020; 1000 Genomes Project 30x 0.00031.
gnomAD v4.1: 196 of 1,610,804 alleles (0.012%); highest among the groups gnomAD compares: Middle Eastern, 0.099%; no homozygotes.

Submissions (3):

Labcorp Genetics (formerly Invitae), Labcorp
Classification: Uncertain significance for Primary dilated cardiomyopathy. Last evaluated: 2026-01-21. Review status: criteria provided, single submitter. Criteria: Invitae Variant Classification Sherloc (09022015). Collection method: clinical testing. Allele origin: germline.
Comment: This sequence change replaces threonine, which is neutral and polar, with proline, which is neutral and non-polar, at codon 175 of the FHL2 protein (p.Thr175Pro). This variant is present in population databases (rs200116659, gnomAD 0.06%), and has an allele count higher than expected for a pathogenic variant. This variant has not been reported in the literature in individuals affected with FHL2-related conditions. ClinVar contains an entry for this variant (Variation ID: 228690). Invitae Evidence Modeling of protein sequence and biophysical properties (such as structural, functional, and spatial information, amino acid conservation, physicochemical variation, residue mobility, and thermodynamic stability) indicates that this missense variant is not expected to disrupt FHL2 protein function with a negative predictive value of 80%. In summary, the available evidence is currently insufficient to determine the role of this variant in disease. Therefore, it has been classified as a Variant of Uncertain Significance.

Ambry Genetics
Classification: Uncertain significance. Last evaluated: 2023-12-22. Review status: criteria provided, single submitter. Criteria: Ambry Variant Classification Scheme 2023. Collection method: clinical testing. Allele origin: germline.

Laboratory for Molecular Medicine, Mass General Brigham Personalized Medicine
Classification: Uncertain significance. Last evaluated: 2016-01-07. Review status: criteria provided, single submitter. Criteria: LMM Criteria. Collection method: clinical testing. Allele origin: germline. Observed: 1 variant allele.
Comment: The p.Thr175Pro variant in FHL2 has not been previously reported in individuals with cardiomyopathy, but has been identified in 10/48278 European chromosomes an d 5/7254 Latino chromosomes by the Exome Aggregation Consortium (ExAC; dbSNP rs200116659). Computational prediction tools and co nservation analysis suggest that this variant may impact the protein, though thi s information is not predictive enough to determine pathogenicity. In summary, t he clinical significance of the p.Thr175Pro variant is uncertain.